The following is an entry in ClinVar:

ClinVar aggregate classification (germline): Uncertain significance (1 of 4 stars; one submission).

Conditions:
Intellectual developmental disorder, autosomal dominant 6, with or without seizures. Also called: GRIN2B-related developmental delay, intellectual disability and autism spectrum disorder; Intellectual disability, autosomal dominant 6. Identifiers: Orphanet 589547, MedGen C3151411, MONDO:0013509, OMIM 613970.
Developmental and epileptic encephalopathy, 27 (DEE27). Also called: Epileptic encephalopathy, early infantile, 27; GRIN2B-Related Neurodevelopmental Disorder. Identifiers: Orphanet 3451, MedGen C4015316, MONDO:0014505, OMIM 616139.

Allele frequency attached by ClinVar (database versions not stated): gnomAD exomes below 0.00001.
gnomAD v4.1: 1 of 1,613,584 alleles (0.000062%); highest among the groups gnomAD compares: Non-Finnish European, 0.000085%; no homozygotes.

Submission:

Labcorp Genetics (formerly Invitae), Labcorp
Classification: Uncertain significance for Developmental and epileptic encephalopathy, 27; Intellectual developmental disorder, autosomal dominant 6, with or without seizures. Last evaluated: 2022-12-22. Review status: criteria provided, single submitter. Criteria: Invitae Variant Classification Sherloc (09022015). Collection method: clinical testing. Allele origin: germline.
Comment: In summary, the available evidence is currently insufficient to determine the role of this variant in disease. Therefore, it has been classified as a Variant of Uncertain Significance. Advanced modeling of protein sequence and biophysical properties (such as structural, functional, and spatial information, amino acid conservation, physicochemical variation, residue mobility, and thermodynamic stability) performed at Invitae indicates that this missense variant is not expected to disrupt GRIN2B protein function. This variant has not been reported in the literature in individuals affected with GRIN2B-related conditions. This variant is not present in population databases (gnomAD no frequency). This sequence change replaces threonine, which is neutral and polar, with alanine, which is neutral and non-polar, at codon 1183 of the GRIN2B protein (p.Thr1183Ala).

NM_000834.5(GRIN2B):c.3547A>G (p.Thr1183Ala)

Gene: GRIN2B (glutamate ionotropic receptor NMDA type subunit 2B; minus strand). Cytogenetic location: 12p13.1.
Variant type: single nucleotide variant.
Coding change: c.3547A>G on transcript NM_000834.5 (MANE Select); coding-DNA position 3547, A replaced by G.
Protein change: p.Thr1183Ala; replaces threonine 1183 with alanine.
Molecular consequence: missense variant.
Genome position (GRCh38, 1-based): chr12:13,563,691, T>C on the plus strand (A>G on the coding strand, the complement: GRIN2B is on the minus strand). VCF-style: chr12-13563691-T-C. GRCh37 (hg19) VCF-style: chr12-13716625-T-C.
Other names: c.3547A>G, p.Thr1183Ala (NM_001413992.1); short protein forms T1183A.
Identifiers: ClinVar variation 2942206 (VCV002942206.3), dbSNP rs2136404260, ClinGen allele CA383988578.